The following is an entry in ClinVar:

NM_001122630.2(CDKN1C):c.893A>T (p.Gln298Leu)

Gene: CDKN1C (cyclin dependent kinase inhibitor 1C; minus strand). Cytogenetic location: 11p15.4.
Variant type: single nucleotide variant.
Coding change: c.893A>T on transcript NM_001122630.2 (MANE Select); coding-DNA position 893, A replaced by T.
Protein change: p.Gln298Leu; replaces glutamine 298 with leucine.
Molecular consequence: missense variant. On other transcripts: nonsense (1).
Genome position (GRCh38, 1-based): chr11:2,884,029, T>A on the plus strand (A>T on the coding strand, the complement: CDKN1C is on the minus strand). VCF-style: chr11-2884029-T-A. GRCh37 (hg19) VCF-style: chr11-2905259-T-A.
Other names: c.926A>T, p.Gln309Leu (NM_000076.2, NM_001362474.2); c.893A>T, p.Gln298Leu (NM_001122631.2); c.361A>T, p.Arg121Ter (NM_001362475.2); short protein forms Q309L, R121*, Q298L.
Identifiers: ClinVar variation 2088421 (VCV002088421.4), dbSNP rs2494379483, ClinGen allele CA379144724.

ClinVar aggregate classification (germline): Uncertain significance (1 of 4 stars; one submission).

Conditions:
Beckwith-Wiedemann syndrome (BWS). Also called: Exomphalos macroglossia gigantism syndrome; EMG SYNDROME. Identifiers: Orphanet 116, MedGen C0004903, MONDO:0007534, OMIM 130650.

Submission:

Labcorp Genetics (formerly Invitae), Labcorp
Classification: Uncertain significance for Beckwith-Wiedemann syndrome. Last evaluated: 2022-01-20. Review status: criteria provided, single submitter. Criteria: Invitae Variant Classification Sherloc (09022015). Collection method: clinical testing. Allele origin: germline.
Comment: This sequence change replaces glutamine, which is neutral and polar, with leucine, which is neutral and non-polar, at codon 309 of the CDKN1C protein (p.Gln309Leu). In summary, the available evidence is currently insufficient to determine the role of this variant in disease. Therefore, it has been classified as a Variant of Uncertain Significance. Algorithms developed to predict the effect of missense changes on protein structure and function are either unavailable or do not agree on the potential impact of this missense change (SIFT: "Tolerated"; PolyPhen-2: "Not Available"; Align-GVGD: "Class C0"). This variant has not been reported in the literature in individuals affected with CDKN1C-related conditions. This variant is not present in population databases (gnomAD no frequency).